The following is an entry in ClinVar:

NM_018130.3(SHQ1):c.745G>C (p.Glu249Gln)

Gene: SHQ1 (SHQ1, H/ACA ribonucleoprotein assembly factor; minus strand). Cytogenetic location: 3p13.
Variant type: single nucleotide variant.
Coding change: c.745G>C on transcript NM_018130.3 (MANE Select); coding-DNA position 745, G replaced by C.
Protein change: p.Glu249Gln; replaces glutamic acid 249 with glutamine.
Molecular consequence: missense variant.
Genome position (GRCh38, 1-based): chr3:72,817,367, C>G on the plus strand (G>C on the coding strand, the complement: SHQ1 is on the minus strand). VCF-style: chr3-72817367-C-G. GRCh37 (hg19) VCF-style: chr3-72866518-C-G.
Other names: short protein forms E249Q.
Identifiers: ClinVar variation 4687298 (VCV004687298.1).

ClinVar aggregate classification (germline): Uncertain significance (1 of 4 stars; one submission).

gnomAD v4.1: 11 of 1,609,880 alleles (0.00068%); highest among the groups gnomAD compares: East Asian, 0.025%; no homozygotes.

Submission:

Women's Health and Genetics/Laboratory Corporation of America, LabCorp
Classification: Uncertain significance. Last evaluated: 2025-10-14. Review status: criteria provided, single submitter. Criteria: LabCorp Variant Classification Summary - May 2015. Collection method: clinical testing. Allele origin: germline.
Comment: Variant summary: SHQ1 c.745G>C (p.Glu249Gln) results in a conservative amino acid change in the encoded protein sequence. Algorithms developed to predict the effect of missense changes on protein structure and function are either unavailable or do not agree on the potential impact of this missense change. The variant allele was found at a frequency of 2.4e-05 in 247470 control chromosomes. The available data on variant occurrences in the general population are insufficient to allow any conclusion about variant significance. To our knowledge, no occurrence of c.745G>C in individuals affected with SHQ1-related conditions and no experimental evidence demonstrating its impact on protein function have been reported. No submitters have cited clinical-significance assessments for this variant to ClinVar. Based on the evidence outlined above, the variant was classified as uncertain significance.